The following is an entry in ClinVar:

ClinVar aggregate classification (germline): Uncertain significance. Review status: criteria provided, multiple submitters, no conflicts (2 of 4 stars). 3 submissions from 3 submitters: Uncertain significance (3). Last evaluated 2025-07-03.

Conditions:
Palmoplantar keratoderma-esophageal carcinoma syndrome (TOC). Also called: KERATOSIS PALMARIS ET PLANTARIS WITH ESOPHAGEAL CANCER; Tylosis with Esophageal Cancer; PALMOPLANTAR KERATODERMA WITH ESOPHAGEAL CANCER. Identifiers: Orphanet 2198, MedGen C1835664, MONDO:0007856, OMIM 148500.
Inborn genetic diseases. Identifiers: MedGen C0950123, MeSH D030342.

Allele frequency attached by ClinVar (database versions not stated): ExAC 0.00002; gnomAD exomes 0.00004; TOPMed 0.00004; gnomAD 0.00005.
gnomAD v4.1: 67 of 1,613,498 alleles (0.0042%); highest among the groups gnomAD compares: Non-Finnish European, 0.0057%; no homozygotes.

Submissions (3):

Labcorp Genetics (formerly Invitae), Labcorp
Classification: Uncertain significance. Last evaluated: 2025-07-03. Review status: criteria provided, single submitter. Criteria: Invitae Variant Classification Sherloc (09022015). Collection method: clinical testing. Allele origin: germline.
Comment: This sequence change replaces lysine, which is basic and polar, with glutamic acid, which is acidic and polar, at codon 236 of the RHBDF2 protein (p.Lys236Glu). This variant is present in population databases (rs753695265, gnomAD 0.004%). This variant has not been reported in the literature in individuals affected with RHBDF2-related conditions. ClinVar contains an entry for this variant (Variation ID: 2678369). An algorithm developed to predict the effect of missense changes on protein structure and function (PolyPhen-2) suggests that this variant is likely to be disruptive. In summary, the available evidence is currently insufficient to determine the role of this variant in disease. Therefore, it has been classified as a Variant of Uncertain Significance.

Ambry Genetics
Classification: Uncertain significance for Inborn genetic diseases. Last evaluated: 2024-11-26. Review status: criteria provided, single submitter. Criteria: Ambry Variant Classification Scheme 2023. Collection method: clinical testing. Allele origin: germline.

Baylor Genetics
Classification: Uncertain significance for Palmoplantar keratoderma-esophageal carcinoma syndrome. Last evaluated: 2023-07-04. Review status: criteria provided, single submitter. Criteria: ACMG Guidelines, 2015. Collection method: clinical testing. Allele origin: unknown.

NM_001005498.4(RHBDF2):c.619A>G (p.Lys207Glu)

Gene: RHBDF2 (rhomboid 5 homolog 2; minus strand). Cytogenetic location: 17q25.1.
Variant type: single nucleotide variant.
Coding change: c.619A>G on transcript NM_001005498.4 (MANE Select); coding-DNA position 619, A replaced by G.
Protein change: p.Lys207Glu; replaces lysine 207 with glutamic acid.
Molecular consequence: missense variant. On other transcripts: non-coding transcript variant (3).
Genome position (GRCh38, 1-based): chr17:76,478,859, T>C on the plus strand (A>G on the coding strand, the complement: RHBDF2 is on the minus strand). VCF-style: chr17-76478859-T-C. GRCh37 (hg19) VCF-style: chr17-74474941-T-C.
Other names: c.619A>G, p.Lys207Glu (NM_001376228.1, NM_001376229.1, NM_001376230.1); c.706A>G, p.Lys236Glu (NM_024599.5); short protein forms K207E, K236E.
Identifiers: ClinVar variation 2678369 (VCV002678369.3), dbSNP rs753695265, ClinGen allele CA8787297.
Genomic context (GRCh38, chr17:76,478,859, plus strand): 5'-CCCGCACCTTGAGGAGGGCAGCGGCAGCTTGCAAGCTCATGTGGGCCACAGACATTCTCT[T>C]GCGGCGTGGCAGGTGGGAGTAGCCAGAACGGACACTGGTGAAGGAGGTGAGGGACAGGAC-3'
Protein context (NP_001005498.2, residues 197-217): RSGYSHLPRR[Lys207Glu]RMSVAHMSLQ